The following is an entry in ClinVar:

NM_001283009.2(RTEL1):c.464G>C (p.Ser155Thr)

Genes: RTEL1 (regulator of telomere elongation helicase 1; plus strand), RTEL1-TNFRSF6B (RTEL1-TNFRSF6B readthrough (NMD candidate); plus strand). Cytogenetic location: 20q13.33.
Variant type: single nucleotide variant.
Coding change: c.464G>C on transcript NM_001283009.2 (MANE Select); coding-DNA position 464, G replaced by C.
Protein change: p.Ser155Thr; replaces serine 155 with threonine.
Molecular consequence: missense variant. On other transcripts: non-coding transcript variant (1), 5 prime UTR variant (1).
Genome position (GRCh38, 1-based): chr20:63,662,614, G>C. VCF-style: chr20-63662614-G-C. GRCh37 (hg19) VCF-style: chr20-62293967-G-C.
Other names: c.-206G>C (NM_001283010.1); c.464G>C, p.Ser155Thr (NM_016434.4); c.536G>C, p.Ser179Thr (NM_032957.5); short protein forms S179T, S155T.
Identifiers: ClinVar variation 4157691 (VCV004157691.1).
Genomic context (GRCh38, chr20:63,662,614, plus strand): 5'-TGTGTGTGCTGGGCTCCCGGGAGCAGCTGTGCATCCATCCTGAGGTGAAGAAACAAGAGA[G>C]TAACCATCTACAGGTAGGCTCCTGGGCTCCCGCTCCGGCTCAGTGTCCGACAGGCGAGTG-3'
Protein context (NP_001269938.1, residues 145-165): CIHPEVKKQE[Ser155Thr]NHLQIHLCRK

ClinVar aggregate classification (germline): Uncertain significance (1 of 4 stars; one submission).

Conditions:
Inborn genetic diseases. Identifiers: MedGen C0950123, MeSH D030342.

Submission:

Ambry Genetics
Classification: Uncertain significance for Inborn genetic diseases. Last evaluated: 2025-08-23. Review status: criteria provided, single submitter. Criteria: Ambry Variant Classification Scheme 2023. Collection method: clinical testing. Allele origin: germline.
Comment: The p.S155T variant (also known as c.464G>C), located in coding exon 4 of the RTEL1 gene, results from a G to C substitution at nucleotide position 464. The serine at codon 155 is replaced by threonine, an amino acid with similar properties. This amino acid position is conserved. In addition, this alteration is predicted to be tolerated by in silico analysis. Based on the available evidence, the clinical significance of this variant remains unclear.